The following is an entry in ClinVar:

NM_006579.3(EBP):c.333C>T (p.Tyr111=)

Gene: EBP (EBP cholestenol delta-isomerase; plus strand). Cytogenetic location: Xp11.23.
Variant type: single nucleotide variant.
Coding change: c.333C>T on transcript NM_006579.3 (MANE Select); coding-DNA position 333, C replaced by T.
Protein change: p.Tyr111=; no amino-acid change (tyrosine 111 retained).
Molecular consequence: synonymous variant.
Genome position (GRCh38, 1-based): chrX:48,527,020, C>T. VCF-style: chrX-48527020-C-T. GRCh37 (hg19) VCF-style: chrX-48385408-C-T.
Identifiers: ClinVar variation 3026749 (VCV003026749.23), dbSNP rs2061781158, ClinGen allele CA516014932.
Genomic context (GRCh38, chrX:48,527,020, plus strand): 5'-TCTTCATATCTCTCTCTTCTTTTCTTCAGGGAAAGAGTATGCCAAGGGAGACAGCCGATA[C>T]ATCCTGTAAGTGTTTGCCTCTGTCAATGGAGACTGGCATTGGTTTTCGGGGGGTGGTGAG-3'
Protein context (NP_006570.1, residues 101-121): WKEYAKGDSR[Tyr111=]ILGDNFTVCM

ClinVar aggregate classification (germline): Likely benign. Review status: criteria provided, multiple submitters, no conflicts (2 of 4 stars). 2 submissions from 2 submitters: Likely benign (2). Last evaluated 2025-09-07.

Allele frequency attached by ClinVar (database versions not stated): gnomAD exomes 0.00001.
gnomAD v4.1: 11 of 1,211,802 alleles (0.00091%); highest among the groups gnomAD compares: Non-Finnish European, 0.00067%; no homozygotes.

Submissions (2):

Labcorp Genetics (formerly Invitae), Labcorp
Classification: Likely benign. Last evaluated: 2025-09-07. Review status: criteria provided, single submitter. Criteria: Invitae Variant Classification Sherloc (09022015). Collection method: clinical testing. Allele origin: germline.

CeGaT Center for Human Genetics Tuebingen
Classification: Likely benign. Last evaluated: 2024-01-01. Review status: criteria provided, single submitter. Criteria: CeGaT Center For Human Genetics Tuebingen Variant Classification Criteria Version 2. Collection method: clinical testing. Allele origin: germline. Affected: yes. Observed: 1 variant allele.
Comment: EBP: PM2:Supporting, BP4, BP7